The following is an entry in ClinVar:

ClinVar aggregate classification (germline): Uncertain significance (1 of 4 stars; one submission).

Conditions:
Desbuquois dysplasia 1 (DBQD1). Also called: MICROMELIC DWARFISM WITH VERTEBRAL AND METAPHYSEAL ABNORMALITIES AND ADVANCED CARPOTARSAL OSSIFICATION; DESBUQUOIS DYSPLASIA 1, KIM VARIANT. Identifiers: Orphanet 1425, MedGen C4012146, MONDO:0009629, OMIM 251450.

gnomAD v4.1: 16 of 1,613,890 alleles (0.00099%); highest among the groups gnomAD compares: Middle Eastern, 0.016%; no homozygotes.

Submission:

Labcorp Genetics (formerly Invitae), Labcorp
Classification: Uncertain significance for Desbuquois dysplasia 1. Last evaluated: 2024-04-25. Review status: criteria provided, single submitter. Criteria: Invitae Variant Classification Sherloc (09022015). Collection method: clinical testing. Allele origin: germline.
Comment: This sequence change replaces alanine, which is neutral and non-polar, with valine, which is neutral and non-polar, at codon 840 of the XYLT1 protein (p.Ala840Val). This variant is present in population databases (rs760991981, gnomAD 0.01%). This variant has not been reported in the literature in individuals affected with XYLT1-related conditions. Advanced modeling of protein sequence and biophysical properties (such as structural, functional, and spatial information, amino acid conservation, physicochemical variation, residue mobility, and thermodynamic stability) performed at Invitae indicates that this missense variant is not expected to disrupt XYLT1 protein function with a negative predictive value of 80%. In summary, the available evidence is currently insufficient to determine the role of this variant in disease. Therefore, it has been classified as a Variant of Uncertain Significance.

NM_022166.4(XYLT1):c.2519C>T (p.Ala840Val)

Gene: XYLT1 (xylosyltransferase 1; minus strand). Cytogenetic location: 16p12.3.
Variant type: single nucleotide variant.
Coding change: c.2519C>T on transcript NM_022166.4 (MANE Select); coding-DNA position 2519, C replaced by T.
Protein change: p.Ala840Val; replaces alanine 840 with valine.
Molecular consequence: missense variant.
Genome position (GRCh38, 1-based): chr16:17,117,684, G>A on the plus strand (C>T on the coding strand, the complement: XYLT1 is on the minus strand). VCF-style: chr16-17117684-G-A. GRCh37 (hg19) VCF-style: chr16-17211541-G-A.
Other names: short protein forms A840V.
Identifiers: ClinVar variation 3607927 (VCV003607927.2).